The following is an entry in ClinVar:

ClinVar aggregate classification (germline): Uncertain significance. Review status: criteria provided, multiple submitters, no conflicts (2 of 4 stars). 2 submissions from 2 submitters: Uncertain significance (2). Last evaluated 2022-10-30.

Conditions:
Severe combined immunodeficiency due to DNA-PKcs deficiency. Also called: IMMUNODEFICIENCY 26 WITH NEUROLOGIC ABNORMALITIES; Immunodeficiency 26 with or without neurologic abnormalities. Identifiers: Orphanet 317425, MedGen C4014833, MONDO:0014423, OMIM 615966.

Allele frequency attached by ClinVar (database versions not stated): ExAC 0.00004; TOPMed 0.00013; ESP Exome Variant Server 0.00017; gnomAD 0.00019; 1000 Genomes Project 0.00020; 1000 Genomes Project 30x 0.00047.
gnomAD v4.1: 42 of 1,613,710 alleles (0.0026%); highest among the groups gnomAD compares: African/African-American, 0.052%; no homozygotes.

Submissions (2):

Ambry Genetics
Classification: Uncertain significance. Last evaluated: 2022-10-30. Review status: criteria provided, single submitter. Criteria: Ambry Variant Classification Scheme 2023. Collection method: clinical testing. Allele origin: germline.
Comment: The p.V521L variant (also known as c.1561G>C), located in coding exon 15 of the PRKDC gene, results from a G to C substitution at nucleotide position 1561. The valine at codon 521 is replaced by leucine, an amino acid with highly similar properties. This amino acid position is conserved. In addition, this alteration is predicted to be tolerated by in silico analysis. Since supporting evidence is limited at this time, the clinical significance of this alteration remains unclear.

Labcorp Genetics (formerly Invitae), Labcorp
Classification: Uncertain significance for Severe combined immunodeficiency due to DNA-PKcs deficiency. Last evaluated: 2021-12-30. Review status: criteria provided, single submitter. Criteria: Invitae Variant Classification Sherloc (09022015). Collection method: clinical testing. Allele origin: germline.
Comment: This sequence change replaces valine, which is neutral and non-polar, with leucine, which is neutral and non-polar, at codon 521 of the PRKDC protein (p.Val521Leu). This variant is present in population databases (rs189887419, gnomAD 0.07%). This variant has not been reported in the literature in individuals affected with PRKDC-related conditions. In summary, the available evidence is currently insufficient to determine the role of this variant in disease. Therefore, it has been classified as a Variant of Uncertain Significance.

NM_006904.7(PRKDC):c.1561G>C (p.Val521Leu)

Gene: PRKDC (protein kinase, DNA-activated, catalytic subunit; minus strand). Cytogenetic location: 8q11.21.
Variant type: single nucleotide variant.
Coding change: c.1561G>C on transcript NM_006904.7 (MANE Select); coding-DNA position 1561, G replaced by C.
Protein change: p.Val521Leu; replaces valine 521 with leucine.
Molecular consequence: missense variant.
Genome position (GRCh38, 1-based): chr8:47,934,027, C>G on the plus strand (G>C on the coding strand, the complement: PRKDC is on the minus strand). VCF-style: chr8-47934027-C-G. GRCh37 (hg19) VCF-style: chr8-48846587-C-G.
Other names: c.1561G>C, p.Val521Leu (NM_001081640.2); short protein forms V521L.
Identifiers: ClinVar variation 1775276 (VCV001775276.4), dbSNP rs189887419, ClinGen allele CA4741699.